The following is an entry in ClinVar:

NC_000023.10:g.(?_32407598)_(32519979_?)del

Gene: DMD (dystrophin; minus strand). Cytogenetic location: Xp21.1.
Variant type: Deletion.
Identifiers: ClinVar variation 1460049 (VCV001460049.7).

ClinVar aggregate classification (germline): Pathogenic (1 of 4 stars; one submission).

Conditions:
Duchenne muscular dystrophy (DMD). Also called: Duchenne Muscular Dystrophy (DMD); MUSCULAR DYSTROPHY, PSEUDOHYPERTROPHIC PROGRESSIVE, DUCHENNE TYPE. Identifiers: Orphanet 98896, MedGen C0013264, MONDO:0010679, OMIM 310200.

Submission:

Labcorp Genetics (formerly Invitae), Labcorp
Classification: Pathogenic for Duchenne muscular dystrophy. Last evaluated: 2021-05-12. Review status: criteria provided, single submitter. Criteria: Invitae Variant Classification Sherloc (09022015). Collection method: clinical testing. Allele origin: germline.
Comment: For these reasons, this variant has been classified as Pathogenic. The region of the DMD gene that includes exon(s) 19-26 has been determined to be clinically significant (PMID: 10465346, 11409318, 12324874, 12674656). Therefore, deletions that encompass that region are likely to disrupt protein function and cause disease. This variant has not been reported in the literature in individuals with DMD-related conditions. This variant is a gross deletion of the genomic region encompassing exon(s) 19-32 of the DMD gene. This variant would be expected to be in-frame, preserving the integrity of the reading frame.

Literature cited by the submitters: PubMed 10465346; PubMed 11409318; PubMed 12324874; PubMed 12674656.